The following is an entry in ClinVar:

NM_000138.5(FBN1):c.7579G>C (p.Glu2527Gln)

Gene: FBN1 (fibrillin 1; minus strand). Cytogenetic location: 15q21.1.
Variant type: single nucleotide variant.
Coding change: c.7579G>C on transcript NM_000138.5 (MANE Select); coding-DNA position 7579, G replaced by C.
Protein change: p.Glu2527Gln; replaces glutamic acid 2527 with glutamine.
Molecular consequence: missense variant.
Genome position (GRCh38, 1-based): chr15:48,421,678, C>G on the plus strand (G>C on the coding strand, the complement: FBN1 is on the minus strand). VCF-style: chr15-48421678-C-G. GRCh37 (hg19) VCF-style: chr15-48713875-C-G.
Other names: short protein forms E2527Q.
Identifiers: ClinVar variation 1351948 (VCV001351948.8), dbSNP rs2141222003, ClinGen allele CA392325793.
Genomic context (GRCh38, chr15:48,421,678, plus strand): 5'-TTCCAGGAGTGTTCTGGCAAATGCCCTTAGACCCGCACAGATTGATGTCAGAGGTGCATT[C>G]ATTGTTATCTATGAGAAGCAGTGGGGGCAAAGAGGGGTTAAAATTCCCCAAAGCTCTCTT-3'
Protein context (NP_000129.3, residues 2517-2537): QHHTSCIDNN[Glu2527Gln]CTSDINLCGS

ClinVar aggregate classification (germline): Pathogenic (1 of 4 stars; one submission).

Conditions:
Marfan syndrome (MFS). Also called: Marfan syndrome type 1; Marfan's syndrome; FBN1-Related Marfan Syndrome; MARFAN SYNDROME, TYPE I; Marfan syndrome, classic. Identifiers: Orphanet 284963, Orphanet 558, MedGen C0024796, MONDO:0007947, OMIM 154700.
Familial thoracic aortic aneurysm and aortic dissection (TAAD). Also called: Thoracic aortic aneurysms and dissections. Identifiers: Orphanet 91387, MedGen C4707243, MONDO:0019625.

Submission:

Labcorp Genetics (formerly Invitae), Labcorp
Classification: Pathogenic for Marfan syndrome; Familial thoracic aortic aneurysm and aortic dissection. Last evaluated: 2021-06-28. Review status: criteria provided, single submitter. Criteria: Invitae Variant Classification Sherloc (09022015). Collection method: clinical testing. Allele origin: germline.
Comment: For these reasons, this variant has been classified as Pathogenic. Advanced modeling of protein sequence and biophysical properties (such as structural, functional, and spatial information, amino acid conservation, physicochemical variation, residue mobility, and thermodynamic stability) performed at Invitae indicates that this missense variant is expected to disrupt FBN1 protein function. This variant has been observed in individual(s) with clinical features of Marfan syndrome (Invitae). In at least one individual the variant was observed to be de novo. This variant is not present in population databases (ExAC no frequency). This sequence change replaces glutamic acid with glutamine at codon 2527 of the FBN1 protein (p.Glu2527Gln). The glutamic acid residue is highly conserved and there is a small physicochemical difference between glutamic acid and glutamine.